The following is an entry in ClinVar:

NM_001177701.3(IFT27):c.398T>C (p.Val133Ala)

Genes: CACNG2-DT (CACNG2 divergent transcript; plus strand), IFT27 (intraflagellar transport 27; minus strand). Cytogenetic location: 22q12.3.
Variant type: single nucleotide variant.
Coding change: c.398T>C on transcript NM_001177701.3 (MANE Select); coding-DNA position 398, T replaced by C.
Protein change: p.Val133Ala; replaces valine 133 with alanine.
Molecular consequence: missense variant.
Genome position (GRCh38, 1-based): chr22:36,762,968, A>G on the plus strand (T>C on the coding strand, the complement: IFT27 is on the minus strand). VCF-style: chr22-36762968-A-G. GRCh37 (hg19) VCF-style: chr22-37159012-A-G.
Other names: c.398T>C, p.Val133Ala (NM_001363003.2); c.395T>C, p.Val132Ala (NM_006860.5); c.395T>C (NM_006860.4); short protein forms V132A, V133A.
Identifiers: ClinVar variation 1976431 (VCV001976431.3), dbSNP rs764256365, ClinGen allele CA10212354.

ClinVar aggregate classification (germline): Uncertain significance. Review status: criteria provided, multiple submitters, no conflicts (2 of 4 stars). 2 submissions from 2 submitters: Uncertain significance (2). Last evaluated 2026-03-26.

Conditions:
IFT27-related disorder. Also called: IFT27-related condition.

Allele frequency attached by ClinVar (database versions not stated): TOPMed below 0.00001; ExAC 0.00001; gnomAD exomes 0.00001.
gnomAD v4.1: 4 of 1,606,918 alleles (0.00025%); highest among the groups gnomAD compares: African/African-American, 0.0013%; no homozygotes.

Submissions (2):

PreventionGenetics, part of Exact Sciences
Classification: Uncertain significance for IFT27-related condition. Last evaluated: 2026-03-26. Review status: criteria provided, single submitter. Criteria: ACMG Guidelines, 2015. Collection method: clinical testing. Allele origin: germline.
Comment: The IFT27 c.395T>C variant is predicted to result in the amino acid substitution p.Val132Ala. To our knowledge, this variant has not been reported in the literature. This variant is reported in 0.0034% of alleles in individuals of South Asian descent in gnomAD. At this time, the clinical significance of this variant is uncertain due to the absence of conclusive functional and genetic evidence.

Labcorp Genetics (formerly Invitae), Labcorp
Classification: Uncertain significance. Last evaluated: 2022-05-29. Review status: criteria provided, single submitter. Criteria: Invitae Variant Classification Sherloc (09022015). Collection method: clinical testing. Allele origin: germline.
Comment: This sequence change replaces valine, which is neutral and non-polar, with alanine, which is neutral and non-polar, at codon 132 of the IFT27 protein (p.Val132Ala). The frequency data for this variant in the population databases is considered unreliable, as metrics indicate poor data quality at this position in the gnomAD database. This variant has not been reported in the literature in individuals affected with IFT27-related conditions. Advanced modeling of protein sequence and biophysical properties (such as structural, functional, and spatial information, amino acid conservation, physicochemical variation, residue mobility, and thermodynamic stability) performed at Invitae indicates that this missense variant is expected to disrupt IFT27 protein function. In summary, the available evidence is currently insufficient to determine the role of this variant in disease. Therefore, it has been classified as a Variant of Uncertain Significance.